The following is an entry in ClinVar:

ClinVar aggregate classification (germline): Pathogenic (1 of 4 stars; one submission).

Conditions:
LAMA2-related muscular dystrophy (LAMA2-RD). Also called: Laminin alpha 2-related dystrophy. Identifiers: MedGen C5679788, MONDO:0100228.

Submission:

Labcorp Genetics (formerly Invitae), Labcorp
Classification: Pathogenic for LAMA2-related muscular dystrophy. Last evaluated: 2024-02-12. Review status: criteria provided, single submitter. Criteria: Invitae Variant Classification Sherloc (09022015). Collection method: clinical testing. Allele origin: germline.
Comment: This sequence change creates a premature translational stop signal (p.Asn1765Metfs*26) in the LAMA2 gene. It is expected to result in an absent or disrupted protein product. Loss-of-function variants in LAMA2 are known to be pathogenic (PMID: 18700894, 32904964). This variant is not present in population databases (gnomAD no frequency). This variant has not been reported in the literature in individuals affected with LAMA2-related conditions. ClinVar contains an entry for this variant (Variation ID: 1382159). For these reasons, this variant has been classified as Pathogenic.

Literature cited by the submitters: PubMed 18700894; PubMed 32904964.

NM_000426.4(LAMA2):c.5294del (p.Asn1765fs)

Gene: LAMA2 (laminin subunit alpha 2; plus strand). Cytogenetic location: 6q22.33.
Variant type: Deletion.
Coding change: c.5294del on transcript NM_000426.4 (MANE Select); coding-DNA position 5294, one base deleted (A; older notation c.5294delA).
Protein change: p.Asn1765fs; shifts the reading frame from asparagine 1765.
Molecular consequence: frameshift variant.
Genome position (GRCh38, 1-based): chr6:129,393,104, A deleted; the last of 4 consecutive A bases (chr6:129,393,101-129,393,104); deleting any one gives the same sequence. VCF-style (leftmost placement, unchanged base first): chr6-129393100-GA-G. GRCh37 (hg19) VCF-style: chr6-129714245-GA-G.
Other names: c.5294del, p.Asn1765fs (NM_001079823.2); short protein forms N1765fs.
Identifiers: ClinVar variation 1382159 (VCV001382159.6), dbSNP rs1296345962, ClinGen allele CA2573140469.